The following is an entry in ClinVar:

NM_170606.3(KMT2C):c.4619A>G (p.Gln1540Arg)

Gene: KMT2C (lysine methyltransferase 2C; minus strand). Cytogenetic location: 7q36.1.
Variant type: single nucleotide variant.
Coding change: c.4619A>G on transcript NM_170606.3 (MANE Select); coding-DNA position 4619, A replaced by G.
Protein change: p.Gln1540Arg; replaces glutamine 1540 with arginine.
Molecular consequence: missense variant.
Genome position (GRCh38, 1-based): chr7:152,194,050, T>C on the plus strand (A>G on the coding strand, the complement: KMT2C is on the minus strand). VCF-style: chr7-152194050-T-C. GRCh37 (hg19) VCF-style: chr7-151891135-T-C.
Other names: c.4619A>G (NM_170606.2); short protein forms Q1540R.
Identifiers: ClinVar variation 2745830 (VCV002745830.4), dbSNP rs2129128836, ClinGen allele CA370104998.

ClinVar aggregate classification (germline): Uncertain significance. Review status: criteria provided, multiple submitters, no conflicts (2 of 4 stars). 2 submissions from 2 submitters: Uncertain significance (2). Last evaluated 2025-08-30.

Conditions:
Inborn genetic diseases. Identifiers: MedGen C0950123, MeSH D030342.

Allele frequency attached by ClinVar (database versions not stated): gnomAD exomes below 0.00001.
gnomAD v4.1: 1 of 1,587,600 alleles (0.000063%); highest among the groups gnomAD compares: African/African-American, 0.0014%; no homozygotes.

Submissions (2):

Ambry Genetics
Classification: Uncertain significance for Inborn genetic diseases. Last evaluated: 2025-08-30. Review status: criteria provided, single submitter. Criteria: Ambry Variant Classification Scheme 2023. Collection method: clinical testing. Allele origin: germline.

Labcorp Genetics (formerly Invitae), Labcorp
Classification: Uncertain significance. Last evaluated: 2023-07-29. Review status: criteria provided, single submitter. Criteria: Invitae Variant Classification Sherloc (09022015). Collection method: clinical testing. Allele origin: germline.
Comment: In summary, the available evidence is currently insufficient to determine the role of this variant in disease. Therefore, it has been classified as a Variant of Uncertain Significance. Advanced modeling of protein sequence and biophysical properties (such as structural, functional, and spatial information, amino acid conservation, physicochemical variation, residue mobility, and thermodynamic stability) performed at Invitae indicates that this missense variant is expected to disrupt KMT2C protein function. This variant has not been reported in the literature in individuals affected with KMT2C-related conditions. This variant is not present in population databases (gnomAD no frequency). This sequence change replaces glutamine, which is neutral and polar, with arginine, which is basic and polar, at codon 1540 of the KMT2C protein (p.Gln1540Arg).